The following is an entry in ClinVar:

ClinVar aggregate classification (germline): Uncertain significance (1 of 4 stars; one submission).

Allele frequency attached by ClinVar (database versions not stated): gnomAD exomes below 0.00001; gnomAD 0.00001.

Submission:

Labcorp Genetics (formerly Invitae), Labcorp
Classification: Uncertain significance. Last evaluated: 2024-02-24. Review status: criteria provided, single submitter. Criteria: Invitae Variant Classification Sherloc (09022015). Collection method: clinical testing. Allele origin: germline.
Comment: This sequence change affects codon 452 of the KCNV2 mRNA. It is a 'silent' change, meaning that it does not change the encoded amino acid sequence of the KCNV2 protein. This variant also falls at the last nucleotide of exon 1, which is part of the consensus splice site for this exon. This variant is not present in population databases (gnomAD no frequency). This variant has not been reported in the literature in individuals affected with KCNV2-related conditions. ClinVar contains an entry for this variant (Variation ID: 1034496). Variants that disrupt the consensus splice site are a relatively common cause of aberrant splicing (PMID: 17576681, 9536098). Algorithms developed to predict the effect of sequence changes on RNA splicing suggest that this variant is not likely to affect RNA splicing. In summary, the available evidence is currently insufficient to determine the role of this variant in disease. Therefore, it has been classified as a Variant of Uncertain Significance.

Literature cited by the submitters: PubMed 17576681; PubMed 9536098.

NM_133497.4(KCNV2):c.1356G>A (p.Ala452=)

Gene: KCNV2 (potassium voltage-gated channel modifier subfamily V member 2; plus strand). Cytogenetic location: 9p24.2.
Variant type: single nucleotide variant.
Coding change: c.1356G>A on transcript NM_133497.4 (MANE Select); coding-DNA position 1356, G replaced by A.
Protein change: p.Ala452=; no amino-acid change (alanine 452 retained).
Molecular consequence: synonymous variant.
Genome position (GRCh38, 1-based): chr9:2,719,095, G>A. VCF-style: chr9-2719095-G-A. GRCh37 (hg19) VCF-style: chr9-2719095-G-A.
Identifiers: ClinVar variation 1034496 (VCV001034496.6), dbSNP rs764608030, ClinGen allele CA187974522.